The following is an entry in ClinVar:

ClinVar aggregate classification (germline): Uncertain significance (1 of 4 stars; one submission).

Allele frequency attached by ClinVar (database versions not stated): ExAC 0.00001.

Submission:

Labcorp Genetics (formerly Invitae), Labcorp
Classification: Uncertain significance. Last evaluated: 2023-06-07. Review status: criteria provided, single submitter. Criteria: Invitae Variant Classification Sherloc (09022015). Collection method: clinical testing. Allele origin: germline.
Comment: In summary, the available evidence is currently insufficient to determine the role of this variant in disease. Therefore, it has been classified as a Variant of Uncertain Significance. Advanced modeling of protein sequence and biophysical properties (such as structural, functional, and spatial information, amino acid conservation, physicochemical variation, residue mobility, and thermodynamic stability) performed at Invitae indicates that this missense variant is not expected to disrupt TECTA protein function. This variant has not been reported in the literature in individuals affected with TECTA-related conditions. This variant is present in population databases (rs749900404, gnomAD 0.0009%). This sequence change replaces alanine, which is neutral and non-polar, with threonine, which is neutral and polar, at codon 193 of the TECTA protein (p.Ala193Thr).

NM_005422.4(TECTA):c.577G>A (p.Ala193Thr)

Genes: TBCEL-TECTA (TBCEL-TECTA readthrough; plus strand), TECTA (tectorin alpha; plus strand). Cytogenetic location: 11q23.3.
Variant type: single nucleotide variant.
Coding change: c.577G>A on transcript NM_005422.4 (MANE Select); coding-DNA position 577, G replaced by A.
Protein change: p.Ala193Thr; replaces alanine 193 with threonine.
Molecular consequence: missense variant.
Genome position (GRCh38, 1-based): chr11:121,113,162, G>A. VCF-style: chr11-121113162-G-A. GRCh37 (hg19) VCF-style: chr11-120983871-G-A.
Other names: c.1534G>A, p.Ala512Thr (NM_001378761.1); short protein forms A193T, A512T.
Identifiers: ClinVar variation 2698572 (VCV002698572.3), dbSNP rs749900404, ClinGen allele CA6326532.